The following is an entry in ClinVar:

ClinVar aggregate classification (germline): Likely pathogenic (1 of 4 stars; one submission).

Conditions:
Fanconi anemia (FA). Also called: Fanconi's anemia. Identifiers: Orphanet 84, MedGen C0015625, MeSH D005199, MONDO:0019391.

Submission:

Labcorp Genetics (formerly Invitae), Labcorp
Classification: Likely pathogenic for Fanconi anemia. Last evaluated: 2021-08-12. Review status: criteria provided, single submitter. Criteria: Invitae Variant Classification Sherloc (09022015). Collection method: clinical testing. Allele origin: germline.
Comment: This variant is a gross deletion of the genomic region encompassing exon(s) 6-28 of the FANCA gene. This variant would be expected to be in-frame, preserving the integrity of the reading frame. This variant has not been reported in the literature in individuals affected with FANCA-related conditions. This variant disrupts the c.2534T nucleotide in the FANCA gene. Other variant(s) that disrupt this nucleotide have been determined to be pathogenic (PMID: 12031647, 12444097, 19367192, 22778927, 29098742). This suggests that this nucleotide is clinically significant, and that variants that disrupt this position are likely to be disease-causing. In summary, the currently available evidence indicates that the variant is pathogenic, but additional data are needed to prove that conclusively. Therefore, this variant has been classified as Likely Pathogenic.

Literature cited by the submitters: PubMed 12031647; PubMed 12444097; PubMed 19367192; PubMed 22778927; PubMed 29098742.

NC_000016.9:g.(?_89831215)_(89874785_?)del

Gene: FANCA (FA complementation group A; minus strand). Cytogenetic location: 16q24.3.
Variant type: Deletion.
Identifiers: ClinVar variation 1347621 (VCV001347621.5).